The following is an entry in ClinVar:

ClinVar aggregate classification (germline): Benign/Likely benign. Review status: criteria provided, multiple submitters, no conflicts (2 of 4 stars). 5 submissions from 5 submitters: Benign (2); Likely benign (3). Last evaluated 2026-01-09.

Conditions:
Early-infantile DEE. Also called: Ohtahara syndrome; Early infantile epileptic encephalopathy; Early infantile epileptic encephalopathy with suppression bursts. Identifiers: Orphanet 1934, MedGen C0393706, MONDO:0800491.
Inborn genetic diseases. Identifiers: MedGen C0950123, MeSH D030342.
Developmental and epileptic encephalopathy, 5 (DEE5). Identifiers: Orphanet 3451, MedGen C3150731, MONDO:0013277, OMIM 613477.

Allele frequency attached by ClinVar (database versions not stated): ExAC 0.00010; gnomAD exomes 0.00010; gnomAD 0.00019 and 0.00021; TOPMed 0.00032; ESP Exome Variant Server 0.00038.
gnomAD v4.1: 79 of 1,613,880 alleles (0.0049%); highest among the groups gnomAD compares: African/African-American, 0.051%; no homozygotes.

Submissions (5):

Labcorp Genetics (formerly Invitae), Labcorp
Classification: Likely benign for Early-infantile DEE. Last evaluated: 2026-01-09. Review status: criteria provided, single submitter. Criteria: Invitae Variant Classification Sherloc (09022015). Collection method: clinical testing. Allele origin: germline.

CeGaT Center for Human Genetics Tuebingen
Classification: Likely benign. Last evaluated: 2026-01-01. Review status: criteria provided, single submitter. Criteria: CeGaT Center For Human Genetics Tuebingen Variant Classification Criteria Version 2. Collection method: clinical testing. Allele origin: germline. Affected: yes. Observed: 2 variant alleles.
Comment: SPTAN1: BP4, BP7

Genome-Nilou Lab
Classification: Benign for Developmental and epileptic encephalopathy, 5. Last evaluated: 2021-07-15. Review status: criteria provided, single submitter. Criteria: ACMG Guidelines, 2015. Collection method: clinical testing. Allele origin: germline. Affected: no.

Ambry Genetics
Classification: Likely benign for Inborn genetic diseases. Last evaluated: 2016-12-12. Review status: criteria provided, single submitter. Criteria: Ambry Variant Classification Scheme 2023. Collection method: clinical testing. Allele origin: germline.

GeneDx
Classification: Benign. Last evaluated: 2014-07-23. Review status: criteria provided, single submitter. Criteria: GeneDx Variant Classification (06012015). Collection method: clinical testing. Allele origin: germline. Affected: yes.
Comment: This variant is considered likely benign or benign based on one or more of the following criteria: it is a conservative change, it occurs at a poorly conserved position in the protein, it is predicted to be benign by multiple in silico algorithms, and/or has population frequency not consistent with disease.

NM_001130438.3(SPTAN1):c.4116C>T (p.Thr1372=)

Gene: SPTAN1 (spectrin alpha, non-erythrocytic 1; plus strand). Cytogenetic location: 9q34.11.
Variant type: single nucleotide variant.
Coding change: c.4116C>T on transcript NM_001130438.3 (MANE Select); coding-DNA position 4116, C replaced by T.
Protein change: p.Thr1372=; no amino-acid change (threonine 1372 retained).
Molecular consequence: synonymous variant.
Genome position (GRCh38, 1-based): chr9:128,607,673, C>T. VCF-style: chr9-128607673-C-T. GRCh37 (hg19) VCF-style: chr9-131369952-C-T.
Other names: p.T1372T:ACC>ACT; c.4056C>T, p.Thr1352= (NM_001195532.2, NM_001363765.2); c.4116C>T, p.Thr1372= (NM_001363759.2, NM_003127.4).
Identifiers: ClinVar variation 207289 (VCV000207289.26), dbSNP rs148554113, ClinGen allele CA318614.